The following is an entry in ClinVar:

NM_020693.4(DSCAML1):c.2398G>A (p.Ala800Thr)

Gene: DSCAML1 (DS cell adhesion molecule like 1; minus strand). Cytogenetic location: 11q23.3.
Variant type: single nucleotide variant.
Coding change: c.2398G>A on transcript NM_020693.4 (MANE Select); coding-DNA position 2398, G replaced by A.
Protein change: p.Ala800Thr; replaces alanine 800 with threonine.
Molecular consequence: missense variant.
Genome position (GRCh38, 1-based): chr11:117,482,124, C>T on the plus strand (G>A on the coding strand, the complement: DSCAML1 is on the minus strand). VCF-style: chr11-117482124-C-T. GRCh37 (hg19) VCF-style: chr11-117352839-C-T.
Other names: c.2398G>A, p.Ala800Thr (NM_001367904.1); short protein forms A800T.
Identifiers: ClinVar variation 4769861 (VCV004769861.1).

ClinVar aggregate classification (germline): Uncertain significance (1 of 4 stars; one submission).

gnomAD v4.1: 6 of 1,614,106 alleles (0.00037%); highest among the groups gnomAD compares: Non-Finnish European, 0.00051%; no homozygotes.

Submission:

Labcorp Genetics (formerly Invitae), Labcorp
Classification: Uncertain significance. Last evaluated: 2026-01-04. Review status: criteria provided, single submitter. Criteria: Invitae Variant Classification Sherloc (09022015). Collection method: clinical testing. Allele origin: germline.
Comment: This sequence change replaces alanine, which is neutral and non-polar, with threonine, which is neutral and polar, at codon 860 of the DSCAML1 protein (p.Ala860Thr). This variant is not present in population databases (gnomAD no frequency). This variant has not been reported in the literature in individuals affected with DSCAML1-related conditions. An algorithm developed to predict the effect of missense changes on protein structure and function (PolyPhen-2) suggests that this variant is likely to be disruptive. In summary, the available evidence is currently insufficient to determine the role of this variant in disease. Therefore, it has been classified as a Variant of Uncertain Significance.